The following is an entry in ClinVar:

NM_001114753.3(ENG):c.1583del (p.Pro528fs)

Genes: ENG (endoglin; minus strand), LOC102723566 (uncharacterized LOC102723566; plus strand). Cytogenetic location: 9q34.11.
Variant type: Deletion.
Coding change: c.1583del on transcript NM_001114753.3 (MANE Select); coding-DNA position 1583, one base deleted (C; older notation c.1583delC).
Protein change: p.Pro528fs; shifts the reading frame from proline 528.
Molecular consequence: frameshift variant.
Genome position (GRCh38, 1-based): chr9:127,818,223, G deleted on the plus strand (C on the coding strand, the reverse complement: ENG is on the minus strand); the first of 3 consecutive G bases (chr9:127,818,223-127,818,225); deleting any one gives the same sequence. VCF-style (leftmost placement, unchanged base first): chr9-127818222-CG-C. GRCh37 (hg19) VCF-style: chr9-130580501-CG-C.
Other names: c.1583delC (NM_001114753.2); c.1581delC, p.Pro528Argfs (NM_000118.4); c.1037del, p.Pro346fs (NM_001278138.2); short protein forms P528fs, P346fs.
Identifiers: ClinVar variation 523407 (VCV000523407.5), dbSNP rs1554809253, ClinGen allele CA658797288.

ClinVar aggregate classification (germline): Pathogenic. Review status: criteria provided, multiple submitters, no conflicts (2 of 4 stars). 2 submissions from 2 submitters: Pathogenic (2). Last evaluated 2025-08-24.

Conditions:
Spontaneous, recurrent epistaxis. Identifiers: MedGen C3809715, HP:0004406.
Pulmonary arteriovenous malformation (PAVM). Also called: Pulmonary arteriovenous fistula; Pulmonary AVM. Identifiers: MedGen C1857690, HP:0006548.
Palate telangiectasia. Identifiers: MedGen C1857699, HP:0002707.
Telangiectasia of the skin. Identifiers: MedGen C4022018, HP:0100585.
Oral cavity telangiectasia. Identifiers: MedGen C4025877, HP:0000228.
Hereditary hemorrhagic telangiectasia (HHT). Also called: Osler hemorrhagic telangiectasia syndrome; ORW DISEASE; Osler Weber Rendu syndrome; OSLER-RENDU-WEBER DISEASE. Identifiers: Orphanet 774, MedGen C0039445, MONDO:0019180. Disease mechanism: loss of function.

Submissions (2):

Labcorp Genetics (formerly Invitae), Labcorp
Classification: Pathogenic for Hereditary hemorrhagic telangiectasia. Last evaluated: 2025-08-24. Review status: criteria provided, single submitter. Criteria: Invitae Variant Classification Sherloc (09022015). Collection method: clinical testing. Allele origin: germline.
Comment: This sequence change creates a premature translational stop signal (p.Pro528Argfs*24) in the ENG gene. It is expected to result in an absent or disrupted protein product. Loss-of-function variants in ENG are known to be pathogenic (PMID: 15879500). This variant is not present in population databases (gnomAD no frequency). This variant has not been reported in the literature in individuals affected with ENG-related conditions. ClinVar contains an entry for this variant (Variation ID: 523407). For these reasons, this variant has been classified as Pathogenic.

Centre for Mendelian Genomics, University Medical Centre Ljubljana
Classification: Pathogenic for Oral cavity telangiectasia; Palate telangiectasia; Pulmonary arteriovenous malformation; Spontaneous, recurrent epistaxis; Telangiectasia of the skin. Last evaluated: 2017-01-01. Review status: criteria provided, single submitter. Criteria: ACMG Guidelines, 2015. Collection method: clinical testing. Allele origin: unknown. Affected: yes.

Literature cited by the submitters: PubMed 15879500 (cited by Labcorp Genetics (formerly Invitae), Labcorp).